The following is an entry in ClinVar:

ClinVar aggregate classification (germline): Uncertain significance (1 of 4 stars; one submission).

Allele frequency attached by ClinVar (database versions not stated): gnomAD 0.00004 and 0.00003; TOPMed 0.00003.
gnomAD v4.1: 14 of 1,614,124 alleles (0.00087%); highest among the groups gnomAD compares: African/African-American, 0.008%; no homozygotes.

Submission:

GeneDx
Classification: Uncertain significance. Last evaluated: 2026-08-14. Review status: criteria provided, single submitter. Criteria: GeneDx Variant Classification Process June 2021. Collection method: clinical testing. Allele origin: germline.
Comment: In silico analysis supports that this missense variant has a deleterious effect on protein structure/function; Has not been previously published as pathogenic or benign to our knowledge

NM_000552.5(VWF):c.2104G>A (p.Val702Met)

Gene: VWF (von Willebrand factor; minus strand). Cytogenetic location: 12p13.31.
Variant type: single nucleotide variant.
Coding change: c.2104G>A on transcript NM_000552.5 (MANE Select); coding-DNA position 2104, G replaced by A.
Protein change: p.Val702Met; replaces valine 702 with methionine.
Molecular consequence: missense variant.
Genome position (GRCh38, 1-based): chr12:6,052,625, C>T on the plus strand (G>A on the coding strand, the complement: VWF is on the minus strand). VCF-style: chr12-6052625-C-T. GRCh37 (hg19) VCF-style: chr12-6161791-C-T.
Other names: short protein forms V702M.
Identifiers: ClinVar variation 426543 (VCV000426543.4), dbSNP rs767946240, ClinGen allele CA6403173.